The following is an entry in ClinVar:

NM_002907.4(RECQL):c.593A>C (p.Lys198Thr)

Gene: RECQL (RecQ like helicase; minus strand). Cytogenetic location: 12p12.1.
Variant type: single nucleotide variant.
Coding change: c.593A>C on transcript NM_002907.4 (MANE Select); coding-DNA position 593, A replaced by C.
Protein change: p.Lys198Thr; replaces lysine 198 with threonine.
Molecular consequence: missense variant.
Genome position (GRCh38, 1-based): chr12:21,483,483, T>G on the plus strand (A>C on the coding strand, the complement: RECQL is on the minus strand). VCF-style: chr12-21483483-T-G. GRCh37 (hg19) VCF-style: chr12-21636417-T-G.
Other names: c.593A>C, p.Lys198Thr (NM_032941.3); short protein forms K198T.
Identifiers: ClinVar variation 2501564 (VCV002501564.1), dbSNP rs2540375270, ClinGen allele CA384127337.
Genomic context (GRCh38, chr12:21,483,483, plus strand): 5'-ACAGCAATTCGAGTAAATCTCCTTGCTTCATAGGCTTTCTCTAGTCTTGACATAAACATT[T>G]TGCTTTTTGCAATTTTCTCTGGAGTCACATAAATCAGCTTTAACTCGGAGTTTTTATTTA-3'
Protein context (NP_002898.2, residues 188-208): YVTPEKIAKS[Lys198Thr]MFMSRLEKAY

ClinVar aggregate classification (germline): Uncertain significance (1 of 4 stars; one submission).

Submission:

GeneDx
Classification: Uncertain significance. Last evaluated: 2022-11-06. Review status: criteria provided, single submitter. Criteria: GeneDx Variant Classification Process June 2021. Collection method: clinical testing. Allele origin: germline. Affected: yes.
Comment: Not observed at significant frequency in large population cohorts (gnomAD); In silico analysis supports that this missense variant has a deleterious effect on protein structure/function; Has not been previously published as pathogenic or benign to our knowledge; This variant is associated with the following publications: (PMID: 19151156, 27248010)